The following is an entry in ClinVar:

NM_001377.3(DYNC2H1):c.2247G>A (p.Trp749Ter)

Gene: DYNC2H1 (dynein cytoplasmic 2 heavy chain 1; plus strand). Cytogenetic location: 11q22.3.
Variant type: single nucleotide variant.
Coding change: c.2247G>A on transcript NM_001377.3 (MANE Select); coding-DNA position 2247, G replaced by A.
Protein change: p.Trp749Ter; replaces tryptophan 749 with a stop codon.
Molecular consequence: nonsense.
Genome position (GRCh38, 1-based): chr11:103,135,536, G>A. VCF-style: chr11-103135536-G-A. GRCh37 (hg19) VCF-style: chr11-103006265-G-A.
Other names: c.2247G>A, p.Trp749Ter (NM_001080463.2); short protein forms W749*.
Identifiers: ClinVar variation 2838888 (VCV002838888.5), dbSNP rs572266444, ClinGen allele CA382259256.

ClinVar aggregate classification (germline): Pathogenic/Likely pathogenic. Review status: criteria provided, multiple submitters, no conflicts (2 of 4 stars). 2 submissions from 2 submitters: Pathogenic (1); Likely pathogenic (1). Last evaluated 2023-02-18.

Conditions:
Jeune thoracic dystrophy. Also called: Short-rib thoracic dysplasia; Jeune syndrome; Infantile thoracic dystrophy; Thoracic pelvic phalangeal dystrophy; Jeune's syndrome; Chondroectodermal dysplasia-like syndrome. Identifiers: Orphanet 474, MedGen C0265275, MONDO:0018770.
Asphyxiating thoracic dystrophy 3. Also called: Saldino-Noonan Syndrome; SHORT-RIB THORACIC DYSPLASIA 3 WITH OR WITHOUT POLYDACTYLY; POLYDACTYLY WITH NEONATAL CHONDRODYSTROPHY, TYPE I; SHORT-RIB THORACIC DYSPLASIA 3/6 WITH POLYDACTYLY, DIGENIC; Short rib polydactyly syndrome 2B. Identifiers: Orphanet 474, Orphanet 93269, Orphanet 93270, Orphanet 93271, MedGen C0036069, MONDO:0013127, OMIM 613091.

gnomAD v4.1: 3 of 1,602,398 alleles (0.00019%); highest among the groups gnomAD compares: Non-Finnish European, 0.00026%; no homozygotes.

Submissions (2):

Labcorp Genetics (formerly Invitae), Labcorp
Classification: Pathogenic for Jeune thoracic dystrophy. Last evaluated: 2023-02-18. Review status: criteria provided, single submitter. Criteria: Invitae Variant Classification Sherloc (09022015). Collection method: clinical testing. Allele origin: germline.
Comment: This variant is not present in population databases (gnomAD no frequency). For these reasons, this variant has been classified as Pathogenic. This variant has not been reported in the literature in individuals affected with DYNC2H1-related conditions. This sequence change creates a premature translational stop signal (p.Trp749*) in the DYNC2H1 gene. It is expected to result in an absent or disrupted protein product. Loss-of-function variants in DYNC2H1 are known to be pathogenic (PMID: 23339108, 32753734).

Juno Genomics, Hangzhou Juno Genomics, Inc
Classification: Likely pathogenic for Asphyxiating thoracic dystrophy 3. Review status: criteria provided, single submitter. Criteria: ACMG Guidelines, 2015. Collection method: clinical testing. Allele origin: germline.
Comment: Null variant in a gene where loss of function (LOF) is a known mechanism of disease.;Absent from controls (or at extremely low frequency if recessive) in Genome Aggregation Database.

Literature cited by the submitters: PubMed 23339108 (cited by Labcorp Genetics (formerly Invitae), Labcorp); PubMed 32753734 (cited by Labcorp Genetics (formerly Invitae), Labcorp).